The following is an entry in ClinVar:

ClinVar aggregate classification (germline): Uncertain significance (1 of 4 stars; one submission).

Submission:

Labcorp Genetics (formerly Invitae), Labcorp
Classification: Uncertain significance. Last evaluated: 2024-01-04. Review status: criteria provided, single submitter. Criteria: Invitae Variant Classification Sherloc (09022015). Collection method: clinical testing. Allele origin: unknown.
Comment: A gross deletion of the genomic region encompassing the full coding sequence of the NEDD4L gene has been identified. The current clinical and genetic evidence is not sufficient to establish whether loss-of-function variants in NEDD4L cause disease. The boundaries of this event are unknown as they extend beyond the assayed region for this gene and therefore may encompass additional genes. A similar copy number variant has been observed in individual(s) with clinical features of periventricular nodular heterotopia (PMID: 30866059). Experimental studies and prediction algorithms are not available or were not evaluated, and the functional significance of this variant is currently unknown. In summary, the available evidence is currently insufficient to determine the role of this variant in disease. Therefore, it has been classified as a Variant of Uncertain Significance.

Literature cited by the submitters: PubMed 30866059.

NC_000018.9:g.(?_55711893)_(56063501_?)del

Gene: NEDD4L (NEDD4 like E3 ubiquitin protein ligase; plus strand). Cytogenetic location: 18q21.31.
Variant type: Deletion.
Identifiers: ClinVar variation 3242802 (VCV003242802.1).